The following is an entry in ClinVar:

NM_021728.4(OTX2):c.661C>T (p.Pro221Ser)

Gene: OTX2 (orthodenticle homeobox 2; minus strand). Cytogenetic location: 14q22.3.
Variant type: single nucleotide variant.
Coding change: c.661C>T on transcript NM_021728.4 (MANE Select); coding-DNA position 661, C replaced by T.
Protein change: p.Pro221Ser; replaces proline 221 with serine.
Molecular consequence: missense variant. On other transcripts: non-coding transcript variant (2).
Genome position (GRCh38, 1-based): chr14:56,801,968, G>A on the plus strand (C>T on the coding strand, the complement: OTX2 is on the minus strand). VCF-style: chr14-56801968-G-A. GRCh37 (hg19) VCF-style: chr14-57268686-G-A.
Other names: c.637C>T, p.Pro213Ser (NM_001270523.2, NM_001270524.2, NM_172337.3); c.661C>T, p.Pro221Ser (NM_001270525.2); short protein forms P213S, P221S.
Identifiers: ClinVar variation 1922389 (VCV001922389.5), dbSNP rs548455339, ClinGen allele CA261910276.

ClinVar aggregate classification (germline): Uncertain significance (1 of 4 stars; one submission).

Conditions:
Anophthalmia-microphthalmia syndrome. Also called: Anophthalmia/Microphthalmia; Anophthalmia - microphthalmia. Identifiers: Orphanet 98555, MedGen C5680330, MONDO:0020147.

Allele frequency attached by ClinVar (database versions not stated): gnomAD 0.00001; 1000 Genomes Project 30x 0.00016; 1000 Genomes Project 0.00020.
gnomAD v4.1: 2 of 1,614,170 alleles (0.00012%); highest among the groups gnomAD compares: Non-Finnish European, 0.000085%; no homozygotes.

Submission:

Labcorp Genetics (formerly Invitae), Labcorp
Classification: Uncertain significance for Anophthalmia-microphthalmia syndrome. Last evaluated: 2022-01-27. Review status: criteria provided, single submitter. Criteria: Invitae Variant Classification Sherloc (09022015). Collection method: clinical testing. Allele origin: germline.
Comment: Algorithms developed to predict the effect of missense changes on protein structure and function (SIFT, PolyPhen-2, Align-GVGD) all suggest that this variant is likely to be tolerated. In summary, the available evidence is currently insufficient to determine the role of this variant in disease. Therefore, it has been classified as a Variant of Uncertain Significance. This variant has not been reported in the literature in individuals affected with OTX2-related conditions. This variant is not present in population databases (gnomAD no frequency). This sequence change replaces proline, which is neutral and non-polar, with serine, which is neutral and polar, at codon 213 of the OTX2 protein (p.Pro213Ser).